The following is an entry in ClinVar:

ClinVar aggregate classification (germline): Uncertain significance (1 of 4 stars; one submission).

Conditions:
Hereditary pancreatitis (PCTT). Also called: Hereditary chronic pancreatitis; PRSS1-Related Hereditary Pancreatitis. Identifiers: Orphanet 676, MedGen C0238339, MONDO:0008185, OMIM 167800.

gnomAD v4.1: 1 of 1,614,084 alleles (0.000062%); highest among the groups gnomAD compares: South Asian, 0.0011%; no homozygotes.

Submission:

Ambry Genetics
Classification: Uncertain significance for Hereditary pancreatitis. Last evaluated: 2025-08-01. Review status: criteria provided, single submitter. Criteria: Ambry Variant Classification Scheme 2023. Collection method: clinical testing. Allele origin: germline.
Comment: The p.P223A variant (also known as c.667C>G), located in coding exon 6 of the CPA1 gene, results from a C to G substitution at nucleotide position 667. The proline at codon 223 is replaced by alanine, an amino acid with highly similar properties. This amino acid position is conserved. In addition, the in silico prediction for this alteration is inconclusive. Based on the available evidence, the clinical significance of this variant remains unclear.

NM_001868.4(CPA1):c.667C>G (p.Pro223Ala)

Gene: CPA1 (carboxypeptidase A1; plus strand). Cytogenetic location: 7q32.2.
Variant type: single nucleotide variant.
Coding change: c.667C>G on transcript NM_001868.4 (MANE Select); coding-DNA position 667, C replaced by G.
Protein change: p.Pro223Ala; replaces proline 223 with alanine.
Molecular consequence: missense variant.
Genome position (GRCh38, 1-based): chr7:130,383,765, C>G. VCF-style: chr7-130383765-C-G. GRCh37 (hg19) VCF-style: chr7-130023606-C-G.
Other names: short protein forms P223A.
Identifiers: ClinVar variation 4233071 (VCV004233071.1).
Genomic context (GRCh38, chr7:130,383,765, plus strand): 5'-GATGCAGCTTTCACCGCCATTCTCGACACCTTGGACATCTTCCTGGAGATCGTCACCAAC[C>G]CTGATGGCTTTGCCTTCACGCACAGCACGGTACCGGCCTTCTCCTGTCCTTGGGGGAAGC-3'
Protein context (NP_001859.1, residues 213-233): LDIFLEIVTN[Pro223Ala]DGFAFTHSTN